The following is an entry in ClinVar:

NM_001042492.3(NF1):c.8071dup (p.His2691fs)

Gene: NF1 (neurofibromin 1; plus strand). Cytogenetic location: 17q11.2.
Variant type: Duplication.
Coding change: c.8071dup on transcript NM_001042492.3 (MANE Select); coding-DNA position 8071, one base duplicated (C; older notation c.8071dupC).
Protein change: p.His2691fs; shifts the reading frame from histidine 2691.
Molecular consequence: frameshift variant.
Genome position (GRCh38, 1-based): chr17:31,358,580, C duplicated; the last of 2 consecutive C bases (chr17:31,358,579-31,358,580); duplicating either gives the same sequence. VCF-style (leftmost placement, unchanged base first): chr17-31358578-A-AC. GRCh37 (hg19) VCF-style: chr17-29685596-A-AC.
Other names: c.8008dup, p.His2670Profs (NM_000267.4); short protein forms H2670fs, H2691fs.
Identifiers: ClinVar variation 1073125 (VCV001073125.5), dbSNP rs2151585069, ClinGen allele CA2499224251.
Genomic context (GRCh38, chr17:31,358,578, plus strand): 5'-CATTGTGCCAAGATCCAAATTTGTTAAATCCAATCCATGGAATTGTGCAGAGTGTGGTGT[A>AC]CCATGAAGAATCCCCACCACAATACCAAACATCTTACCTGCAAAGTAAATAAATGTATCT-3'

ClinVar aggregate classification (germline): Pathogenic (1 of 4 stars; one submission).

Conditions:
Neurofibromatosis, type 1 (NF1). Also called: VON RECKLINGHAUSEN DISEASE; Peripheral type neurofibromatosis; NEUROFIBROMATOSIS, TYPE I, SOMATIC; Neurofibromatosis, type I. Identifiers: Orphanet 636, MedGen C0027831, MONDO:0018975, OMIM 162200. Disease mechanism: loss of function.

Submission:

Labcorp Genetics (formerly Invitae), Labcorp
Classification: Pathogenic for Neurofibromatosis, type 1. Last evaluated: 2020-02-19. Review status: criteria provided, single submitter. Criteria: Invitae Variant Classification Sherloc (09022015). Collection method: clinical testing. Allele origin: germline.
Comment: This sequence change creates a premature translational stop signal (p.His2670Profs*2) in the NF1 gene. It is expected to result in an absent or disrupted protein product. This variant is not present in population databases (ExAC no frequency). This variant has been observed in individual(s) affected with clinical features of neurofibromatosis type 1 (PMID: 30290804). This variant is also known as p.Tyr2690fs in the literature. Loss-of-function variants in NF1 are known to be pathogenic (PMID: 10712197, 23913538). For these reasons, this variant has been classified as Pathogenic.

Literature cited by the submitters: PubMed 30290804; PubMed 10712197; PubMed 23913538.